The following is an entry in ClinVar:

ClinVar aggregate classification (germline): Likely benign. Review status: criteria provided, multiple submitters, no conflicts (2 of 4 stars). 5 submissions from 5 submitters: Likely benign (5). Last evaluated 2025-10-01.

Conditions:
Aortic aneurysm, familial thoracic 4 (AAT4). Also called: AORTIC ANEURYSM/AORTIC DISSECTION AND PATENT DUCTUS ARTERIOSUS. Identifiers: MedGen C1851504, MONDO:0007568, OMIM 132900.
Familial thoracic aortic aneurysm and aortic dissection (TAAD). Also called: Thoracic aortic aneurysms and dissections. Identifiers: Orphanet 91387, MedGen C4707243, MONDO:0019625.

Allele frequency attached by ClinVar (database versions not stated): gnomAD exomes below 0.00001; ExAC 0.00001; TOPMed 0.00002; gnomAD 0.00003 and 0.00004.
gnomAD v4.1: 7 of 1,614,104 alleles (0.00043%); highest among the groups gnomAD compares: African/African-American, 0.0053%; no homozygotes.

Submissions (5):

Labcorp Genetics (formerly Invitae), Labcorp
Classification: Likely benign for Aortic aneurysm, familial thoracic 4. Last evaluated: 2025-10-01. Review status: criteria provided, single submitter. Criteria: Invitae Variant Classification Sherloc (09022015). Collection method: clinical testing. Allele origin: germline.

Ambry Genetics
Classification: Likely benign for Familial thoracic aortic aneurysm and aortic dissection. Last evaluated: 2024-10-22. Review status: criteria provided, single submitter. Criteria: Ambry Variant Classification Scheme 2023. Collection method: clinical testing. Allele origin: germline.

All of Us Research Program, National Institutes of Health
Classification: Likely benign for Familial thoracic aortic aneurysm and aortic dissection. Last evaluated: 2023-02-24. Review status: criteria provided, single submitter. Criteria: ACMG Guidelines, 2015. Collection method: clinical testing. Allele origin: germline. Inheritance: Autosomal dominant inheritance. Observed: 2 variant alleles, 2 heterozygotes.
Comment: This study involves interpretation of variants in research participants for the purpose of population health screening. Participant phenotype was not available at the time of variant classification. Additional details can be found in publication PMID: 35346344, PMCID: PMC8962531

Color Diagnostics, LLC DBA Color Health
Classification: Likely benign for Familial thoracic aortic aneurysm and aortic dissection. Last evaluated: 2018-08-27. Review status: criteria provided, single submitter. Criteria: ACMG Guidelines, 2015. Collection method: clinical testing. Allele origin: germline.

GeneDx
Classification: Likely benign. Last evaluated: 2017-09-05. Review status: criteria provided, single submitter. Criteria: GeneDx Variant Classification (06012015). Collection method: clinical testing. Allele origin: germline. Affected: yes.
Comment: This variant is considered likely benign or benign based on one or more of the following criteria: it is a conservative change, it occurs at a poorly conserved position in the protein, it is predicted to be benign by multiple in silico algorithms, and/or has population frequency not consistent with disease.

NM_002474.3(MYH11):c.2016G>A (p.Thr672=)

Gene: MYH11 (myosin heavy chain 11; minus strand). Cytogenetic location: 16p13.11.
Variant type: single nucleotide variant.
Coding change: c.2016G>A on transcript NM_002474.3 (MANE Select); coding-DNA position 2016, G replaced by A.
Protein change: p.Thr672=; no amino-acid change (threonine 672 retained).
Molecular consequence: synonymous variant.
Genome position (GRCh38, 1-based): chr16:15,750,180, C>T on the plus strand (G>A on the coding strand, the complement: MYH11 is on the minus strand). VCF-style: chr16-15750180-C-T. GRCh37 (hg19) VCF-style: chr16-15844037-C-T.
Other names: c.2037G>A, p.Thr679= (NM_001040113.2, NM_001040114.2); c.2016G>A, p.Thr672= (NM_022844.3).
Identifiers: ClinVar variation 516542 (VCV000516542.13), dbSNP rs374726567, ClinGen allele CA7922449.
Genomic context (GRCh38, chr16:15,750,180, plus strand): 5'-CTGGGCGGCGGGCCTCACCCTCTTCTCGTGGTTGGGGATGATGCAGCGCACGAAGTTGGG[C>T]GTGGTGTTGCGTAGCGTGGTCATCAGCTTGCCCAGCTGCTCCTTGTACAGCTGCCCCACT-3'
Protein context (NP_002465.1, residues 662-682): GKLMTTLRNT[Thr672=]PNFVRCIIPN